The following is an entry in ClinVar:

ClinVar aggregate classification (germline): Uncertain significance (1 of 4 stars; one submission).

Conditions:
Joubert syndrome. Also called: CEREBELLOPARENCHYMAL DISORDER IV; JOUBERT-BOLTSHAUSER SYNDROME; Familial aplasia of the vermis. Identifiers: Orphanet 475, MedGen C5979921, MONDO:0018772.

Submission:

Labcorp Genetics (formerly Invitae), Labcorp
Classification: Uncertain significance for Joubert syndrome. Last evaluated: 2022-05-06. Review status: criteria provided, single submitter. Criteria: Invitae Variant Classification Sherloc (09022015). Collection method: clinical testing. Allele origin: germline.
Comment: In summary, the available evidence is currently insufficient to determine the role of this variant in disease. Therefore, it has been classified as a Variant of Uncertain Significance. Algorithms developed to predict the effect of missense changes on protein structure and function are either unavailable or do not agree on the potential impact of this missense change (SIFT: "Deleterious"; PolyPhen-2: "Probably Damaging"; Align-GVGD: "Class C0"). This variant has not been reported in the literature in individuals affected with AHI1-related conditions. This variant is not present in population databases (gnomAD no frequency). This sequence change replaces valine, which is neutral and non-polar, with methionine, which is neutral and non-polar, at codon 370 of the AHI1 protein (p.Val370Met).

NM_001134831.2(AHI1):c.1108G>A (p.Val370Met)

Gene: AHI1 (Abelson helper integration site 1; minus strand). Cytogenetic location: 6q23.3.
Variant type: single nucleotide variant.
Coding change: c.1108G>A on transcript NM_001134831.2 (MANE Select); coding-DNA position 1108, G replaced by A.
Protein change: p.Val370Met; replaces valine 370 with methionine.
Molecular consequence: missense variant.
Genome position (GRCh38, 1-based): chr6:135,457,537, C>T on the plus strand (G>A on the coding strand, the complement: AHI1 is on the minus strand). VCF-style: chr6-135457537-C-T. GRCh37 (hg19) VCF-style: chr6-135778675-C-T.
Other names: c.1108G>A, p.Val370Met (NM_001134830.2, NM_001134832.2, NM_001350503.2 and 2 more transcripts); short protein forms V370M.
Identifiers: ClinVar variation 1444723 (VCV001444723.8), dbSNP rs2128081442, ClinGen allele CA365747664.
Genomic context (GRCh38, chr6:135,457,537, plus strand): 5'-CAATTAAAAAAAATTACCTATCATCTTTCTTGACATATTGACCAGTATGCTCATCAACCA[C>T]ATGAATTTTTACCATTGGGTGAGAAATCATAAAATCTGACTTAAGTCTATCAGTTCGGTG-3'
Protein context (NP_001128303.1, residues 360-380): MISHPMVKIH[Val370Met]VDEHTGQYVK